The following is an entry in ClinVar:

NM_002047.4(GARS1):c.8C>A (p.Ser3Tyr)

Gene: GARS1 (glycyl-tRNA synthetase 1; plus strand). Cytogenetic location: 7p14.3.
Variant type: single nucleotide variant.
Coding change: c.8C>A on transcript NM_002047.4 (MANE Select); coding-DNA position 8, C replaced by A.
Protein change: p.Ser3Tyr; replaces serine 3 with tyrosine.
Molecular consequence: missense variant. On other transcripts: 5 prime UTR variant (1).
Genome position (GRCh38, 1-based): chr7:30,594,929, C>A. VCF-style: chr7-30594929-C-A. GRCh37 (hg19) VCF-style: chr7-30634545-C-A.
Other names: c.-155C>A (NM_001316772.1); short protein forms S3Y.
Identifiers: ClinVar variation 860885 (VCV000860885.9), dbSNP rs1184401493, ClinGen allele CA367138381.

ClinVar aggregate classification (germline): Uncertain significance (1 of 4 stars; one submission).

Conditions:
Charcot-Marie-Tooth disease type 2. Also called: Charcot-Marie-Tooth type 2. Identifiers: Orphanet 64746, MedGen C0270914, MONDO:0018993.

Allele frequency attached by ClinVar (database versions not stated): gnomAD exomes below 0.00001.
gnomAD v4.1: 1 of 1,589,326 alleles (0.000063%); highest among the groups gnomAD compares: South Asian, 0.0011%; no homozygotes.

Submission:

Labcorp Genetics (formerly Invitae), Labcorp
Classification: Uncertain significance for Charcot-Marie-Tooth disease type 2. Last evaluated: 2019-11-29. Review status: criteria provided, single submitter. Criteria: Invitae Variant Classification Sherloc (09022015). Collection method: clinical testing. Allele origin: germline.
Comment: In summary, the available evidence is currently insufficient to determine the role of this variant in disease. Therefore, it has been classified as a Variant of Uncertain Significance. This variant has not been reported in the literature in individuals with GARS-related conditions. This variant is not present in population databases (ExAC no frequency). This sequence change replaces serine with tyrosine at codon 3 of the GARS protein (p.Ser3Tyr). The serine residue is weakly conserved and there is a large physicochemical difference between serine and tyrosine.